The following is an entry in ClinVar:

ClinVar aggregate classification (germline): Conflicting classifications of pathogenicity. Review status: criteria provided, conflicting classifications (1 of 4 stars). 2 submissions from 2 submitters: Uncertain significance (1); Likely benign (1). Last evaluated 2025-07-23.

Conditions:
RPGRIP1L-related disorder. Also called: RPGRIP1L-related disorders; RPGRIP1L-related condition. Identifiers: MedGen CN239416.

gnomAD v4.1: 9 of 1,591,940 alleles (0.00057%); highest among the groups gnomAD compares: Non-Finnish European, 0.00077%; no homozygotes.

Submissions (2):

PreventionGenetics, part of Exact Sciences
Classification: Uncertain significance for RPGRIP1L-related condition. Last evaluated: 2025-07-23. Review status: criteria provided, single submitter. Criteria: ACMG Guidelines, 2015. Collection method: clinical testing. Allele origin: germline.
Comment: The RPGRIP1L c.1341G>T variant is predicted to result in the amino acid substitution p.Leu447Phe. To our knowledge, this variant has not been reported in the literature or in a large population database (gnomAD), indicating this variant is rare. At this time, the clinical significance of this variant is uncertain due to the absence of conclusive functional and genetic evidence.

Blueprint Genetics
Classification: Likely benign. Last evaluated: 2024-02-14. Review status: criteria provided, single submitter. Criteria: ACMG Guidelines, 2015. Collection method: clinical testing. Allele origin: germline.

NM_015272.5(RPGRIP1L):c.1341G>T (p.Leu447Phe)

Gene: RPGRIP1L (RPGRIP1 like; minus strand). Cytogenetic location: 16q12.2.
Variant type: single nucleotide variant.
Coding change: c.1341G>T on transcript NM_015272.5 (MANE Select); coding-DNA position 1341, G replaced by T.
Protein change: p.Leu447Phe; replaces leucine 447 with phenylalanine.
Molecular consequence: missense variant.
Genome position (GRCh38, 1-based): chr16:53,658,781, C>A on the plus strand (G>T on the coding strand, the complement: RPGRIP1L is on the minus strand). VCF-style: chr16-53658781-C-A. GRCh37 (hg19) VCF-style: chr16-53692693-C-A.
Other names: c.1341G>T, p.Leu447Phe (NM_001127897.4, NM_001308334.3, NM_001330538.2); c.1341G>T (NM_015272.4); short protein forms L447F.
Identifiers: ClinVar variation 4929970 (VCV004929970.2).